The following is an entry in ClinVar:

ClinVar aggregate classification (germline): Pathogenic/Likely pathogenic. Review status: criteria provided, multiple submitters, no conflicts (2 of 4 stars). 14 submissions from 14 submitters: Pathogenic (9); Likely pathogenic (3). 2 of the submissions do not count toward it. Last evaluated 2024-08-29.

Conditions:
ATP7B-related disorder. Also called: ATP7B-related condition.
Wilson disease (WND). Also called: Wilson's disease. Identifiers: Orphanet 905, MedGen C0019202, MONDO:0010200, OMIM 277900. Disease mechanism: loss of function.
Inborn genetic diseases. Identifiers: MedGen C0950123, MeSH D030342.

Submissions 1 to 10 of 14:

Lildballe Lab, Aarhus University Hospital
Classification: Likely pathogenic for Wilson disease. Last evaluated: 2024-08-29. Review status: criteria provided, single submitter. Criteria: ACMG Guidelines, 2015. Collection method: clinical testing. Allele origin: germline. Affected: yes.
Comment: PVS1 PM2,

Natera, Inc.
Classification: Pathogenic for Wilson disease. Last evaluated: 2024-08-19. Review status: criteria provided, single submitter. Criteria: Natera Variant Classification Schema (03/2026). Collection method: clinical testing. Allele origin: germline.
Comment: The c.1543+1G>T variant in ATP7B is a canonical splice donor site variant predicted to affect pre-mRNA splicing, which may result in an abnormal transcript and altered protein product. This variant is expected to result in nonsense mediated decay, truncation, or a dysfunctional protein product. This variant is rare in the general population with a frequency below the threshold expected for the associated phenotype(s). This variant has been observed in one or more individuals affected with the associated recessive disease, as either homozygous or compound heterozygous with a second variant (PMID: 35220961). Given the available evidence, this variant is classified as Pathogenic.

Fulgent Genetics
Classification: Likely pathogenic for Wilson disease. Last evaluated: 2024-06-06. Review status: criteria provided, single submitter. Criteria: ACMG Guidelines, 2015. Collection method: clinical testing. Allele origin: germline.

Baylor Genetics
Classification: Pathogenic for Wilson disease. Last evaluated: 2024-02-15. Review status: criteria provided, single submitter. Criteria: ACMG Guidelines, 2015. Collection method: clinical testing. Allele origin: unknown.

Labcorp Genetics (formerly Invitae), Labcorp
Classification: Pathogenic for Wilson disease. Last evaluated: 2024-01-13. Review status: criteria provided, single submitter. Criteria: Invitae Variant Classification Sherloc (09022015). Collection method: clinical testing. Allele origin: germline.
Comment: This sequence change affects a donor splice site in intron 3 of the ATP7B gene. It is expected to disrupt RNA splicing. Variants that disrupt the donor or acceptor splice site typically lead to a loss of protein function (PMID: 16199547), and loss-of-function variants in ATP7B are known to be pathogenic (PMID: 10441329, 16283883). This variant is not present in population databases (gnomAD no frequency). Disruption of this splice site has been observed in individual(s) with Wilson disease (PMID: 21796144). ClinVar contains an entry for this variant (Variation ID: 590806). Algorithms developed to predict the effect of sequence changes on RNA splicing suggest that this variant may disrupt the consensus splice site. For these reasons, this variant has been classified as Pathogenic.

All of Us Research Program, National Institutes of Health
Classification: Pathogenic for Wilson disease. Last evaluated: 2023-08-23. Review status: criteria provided, single submitter. Criteria: ACMG Guidelines, 2015. Collection method: clinical testing. Allele origin: germline. Inheritance: Autosomal recessive inheritance. Observed: 1 variant allele, 1 heterozygote.
Comment: This variant causes a G to T nucleotide substitution at the canonical +1 position of intron 3 splice donor site of the ATP7B gene. A different variant impacting the same position, c.1543+1G>C, has been shown to cause a retention of 106 nucleotides of intron 3 and introduces a premature termination codon (PMID: 15024742) and is associated with disease (ClinVar variation ID: 1453539). The ATP7B c.1543+1G>T variant has been observed in many individuals affected with Wilson disease (PMID: 9671269, 17587212, 18034201, 21796144, 24146181, 24475083, 27022412, 27982432, 29095814, 29930488, 29961769, 31172689, 34240825, 34324271, 34400371, 35444691, 35470480, 37020998), including one individual confirmed to be compound heterozygous with a known pathogenic variant (PMID: 37020998). This variant has not been identified in the general population by the Genome Aggregation Database (gnomAD). Loss of ATP7B function is a known mechanism of disease. Based on the available evidence, this variant is classified as Pathogenic.

This study involves interpretation of variants in research participants for the purpose of population health screening. Participant phenotype was not available at the time of variant classification. Additional details can be found in publication PMID: 35346344, PMCID: PMC8962531

PreventionGenetics, part of Exact Sciences
Classification: Pathogenic for ATP7B-related condition. Last evaluated: 2022-10-13. Review status: criteria provided, single submitter. Criteria: ACMG Guidelines, 2015. Collection method: clinical testing. Allele origin: germline.
Comment: The ATP7B c.1543+1G>T variant is predicted to disrupt the GT donor site and interfere with normal splicing. This variant has been reported in individuals with Wilson disease (Table 1, Loudianos et al. 1998. PubMed ID: 9671269; Fig. S2, Chen et al. 2019. PubMed ID: 30655162; Table 1, Xiao et al. 2021. PubMed ID: 34324271). This variant has not been reported in a large population database, indicating this variant is rare. Variants that disrupt the consensus splice donor site in ATP7B are expected to be pathogenic. This variant is interpreted as pathogenic.

ARUP Laboratories, Molecular Genetics and Genomics, ARUP Laboratories
Classification: Pathogenic for Wilson disease. Last evaluated: 2021-09-07. Review status: criteria provided, single submitter. Criteria: ARUP Molecular Germline Variant Investigation Process 2021. Collection method: clinical testing. Allele origin: germline.
Comment: The ATP7B c.1543+1G>T variant has been reported in the literature in individuals affected with Wilson disease (Loudianos 1998, Wang 2011). It is reported in ClinVar (Variation ID: 590806), and is absent from the Genome Aggregation Database, indicating it is not a common polymorphism. This variant disrupts the canonical splice donor site of intron 3, which is likely to negatively impact gene function. Additionally, other nucleotide changes at this position (c.1543+1G>A and c.1543+1G>C) have been described in individuals affected with Wilson disease (Deguti 2004, Kumari 2018). Based on available information, the c.1543+1G>T variant is considered to be pathogenic. REFERENCES Deguti M et al. Wilson disease: novel mutations in the ATP7B gene and clinical correlation in Brazilian patients. Hum Mutat. 2004 Apr;23(4):398. PMID: 15024742. Kumari N et al. Characterization of mutation spectrum and identification of novel mutations in ATP7B gene from a cohort of Wilson disease patients: Functional and therapeutic implications. Hum Mutat. 2018 Dec;39(12):1926-1941. PMID: 30120852. Loudianos G et al. Further delineation of the molecular pathology of Wilson disease in the Mediterranean population. Hum Mutat. 1998;12(2):89-94. PMID: 9671269. Wang L et al. Mutation analysis of 73 southern Chinese Wilson's disease patients: identification of 10 novel mutations and its clinical correlation. J Hum Genet. 2011 Sep;56(9):660-5. PMID: 21796144.

Genome-Nilou Lab
Classification: Pathogenic for Wilson disease. Last evaluated: 2021-08-10. Review status: criteria provided, single submitter. Criteria: ACMG Guidelines, 2015. Collection method: clinical testing. Allele origin: germline. Affected: no.

Women's Health and Genetics/Laboratory Corporation of America, LabCorp
Classification: Pathogenic for Wilson disease. Last evaluated: 2020-06-14. Review status: criteria provided, single submitter. Criteria: LabCorp Variant Classification Summary - May 2015. Collection method: clinical testing. Allele origin: germline.
Comment: Variant summary: ATP7B c.1543+1G>T is located in a canonical splice-site and is predicted to affect mRNA splicing resulting in a significantly altered protein due to either exon skipping, shortening, or inclusion of intronic material. Several computational tools predict a significant impact on normal splicing: Four predict the variant abolishes a 5' splicing donor site. However, these predictions have yet to be confirmed by functional studies. The variant was absent in 248496 control chromosomes. c.1543+1G>T has been reported in the literature in individuals affected with Wilson Disease and subsequently cited by others (example, Loudianos_1998, Li_2019, Singh_2019). These data indicate that the variant is likely to be associated with disease. To our knowledge, no experimental evidence demonstrating an impact on protein function has been reported. Two clinical diagnostic laboratories have submitted clinical-significance assessments for this variant to ClinVar after 2014 without evidence for independent evaluation. All laboratories classified the variant as pathogenic. Based on the evidence outlined above, the variant was classified as pathogenic.

NM_000053.4(ATP7B):c.1543+1G>T

Gene: ATP7B (ATPase copper transporting beta; minus strand). Cytogenetic location: 13q14.3.
Variant type: single nucleotide variant.
Coding change: c.1543+1G>T on transcript NM_000053.4 (MANE Select); the canonical splice donor site of the intron after coding-DNA position 1543, G replaced by T.
Molecular consequence: splice donor variant. On other transcripts: intron variant (1).
Genome position (GRCh38, 1-based): chr13:51,970,491, C>A on the plus strand (G>T on the coding strand, the complement: ATP7B is on the minus strand). VCF-style: chr13-51970491-C-A. GRCh37 (hg19) VCF-style: chr13-52544627-C-A.
Other names: c.1543+1G>T (NM_001406541.1, NM_001406531.1, NM_001406527.1 and 28 more transcripts); c.1447+1G>T (NM_001406543.1, NM_001406518.1, NM_001406544.1 and 3 more transcripts); c.1210+1G>T (NM_001243182.2); c.1285+3444G>T (NM_001406548.1); c.1114+1G>T (NM_001406539.1).
Identifiers: ClinVar variation 590806 (VCV000590806.30), dbSNP rs1360279134, ClinGen allele CA388035008.
Genomic context (GRCh38, chr13:51,970,491, plus strand): 5'-AGGGAGAATACGAGGTCTATACGCAGCATTCCTAAGTTCAACATGGGCGTTCATCTCTTA[C>A]CAGCTTCTTTCTGCAGATTCCTTTCTATGTTAGACACACAGGATGCACAGGTCATGCCTT-3'